The following is an entry in ClinVar:

ClinVar aggregate classification (germline): Pathogenic (1 of 4 stars; one submission).

Conditions:
Arginase deficiency. Also called: Arginase 1 Deficiency; ARGININEMIA; ARG1 DEFICIENCY. Identifiers: Orphanet 90, MedGen C0268548, MONDO:0008814, OMIM 207800.

Submission:

Labcorp Genetics (formerly Invitae), Labcorp
Classification: Pathogenic for Arginase deficiency. Last evaluated: 2023-07-10. Review status: criteria provided, single submitter. Criteria: Invitae Variant Classification Sherloc (09022015). Collection method: clinical testing. Allele origin: germline.
Comment: For these reasons, this variant has been classified as Pathogenic. Algorithms developed to predict the effect of sequence changes on RNA splicing suggest that this variant may disrupt the consensus splice site. ClinVar contains an entry for this variant (Variation ID: 2136471). This premature translational stop signal has been observed in individual(s) with arginase deficiency (PMID: 22964440). This variant is present in population databases (no rsID available, gnomAD 0.006%). This sequence change creates a premature translational stop signal (p.Arg225Glyfs*5) in the ARG1 gene. It is expected to result in an absent or disrupted protein product. Loss-of-function variants in ARG1 are known to be pathogenic (PMID: 7649538, 12052859).

Literature cited by the submitters: PubMed 22964440; PubMed 7649538; PubMed 12052859.

NM_000045.4(ARG1):c.673del (p.Arg225fs)

Genes: ARG1 (arginase 1; plus strand), MED23 (mediator complex subunit 23; minus strand). Cytogenetic location: 6q23.2.
Variant type: Deletion.
Coding change: c.673del on transcript NM_000045.4 (MANE Select); coding-DNA position 673, one base deleted (A; older notation c.673delA).
Protein change: p.Arg225fs; shifts the reading frame from arginine 225.
Molecular consequence: frameshift variant. On other transcripts: non-coding transcript variant (1), intron variant (2).
Genome position (GRCh38, 1-based): chr6:131,583,362, A deleted; the last of 4 consecutive A bases (chr6:131,583,359-131,583,362); deleting any one gives the same sequence. VCF-style (leftmost placement, unchanged base first): chr6-131583358-GA-G. GRCh37 (hg19) VCF-style: chr6-131904498-GA-G.
Other names: c.697del, p.Arg233fs (NM_001244438.2); c.418del, p.Arg140fs (NM_001369020.1); c.4077+4350del (NM_001270521.2); c.4095+4350del (NM_015979.4); short protein forms R233fs, R225fs, R140fs.
Identifiers: ClinVar variation 2136471 (VCV002136471.3), dbSNP rs1464239857, ClinGen allele CA570508595.
Genomic context (GRCh38, chr6:131,583,358, plus strand): 5'-TCTATGAAATGTGAAGCCATCAACCTTAAACTGAAATCCTTTCCCACTTCTTAAAAGAAA[GA>G]AAAGGCCAATTCATCTAAGTTTTGATGTTGACGGACTGGACCCATCTTTCACACCAGCTA-3'